The following is an entry in ClinVar:

NM_001160372.4(TRAPPC9):c.788G>A (p.Gly263Asp)

Gene: TRAPPC9 (trafficking protein particle complex subunit 9; minus strand). Cytogenetic location: 8q24.3.
Variant type: single nucleotide variant.
Coding change: c.788G>A on transcript NM_001160372.4 (MANE Select); coding-DNA position 788, G replaced by A.
Protein change: p.Gly263Asp; replaces glycine 263 with aspartic acid.
Molecular consequence: missense variant. On other transcripts: non-coding transcript variant (1).
Genome position (GRCh38, 1-based): chr8:140,435,183, C>T on the plus strand (G>A on the coding strand, the complement: TRAPPC9 is on the minus strand). VCF-style: chr8-140435183-C-T. GRCh37 (hg19) VCF-style: chr8-141445282-C-T.
Other names: c.788G>A, p.Gly263Asp (NM_001321646.2, NM_001374683.1, NM_001374684.1 and 1 more transcripts); c.809G>A, p.Gly270Asp (NM_001374682.1); short protein forms G263D, G270D.
Identifiers: ClinVar variation 1972239 (VCV001972239.4), dbSNP rs749470559, ClinGen allele CA4893637.

ClinVar aggregate classification (germline): Uncertain significance (1 of 4 stars; one submission).

Allele frequency attached by ClinVar (database versions not stated): ExAC 0.00002; gnomAD 0.00004; TOPMed 0.00004.

Submission:

Labcorp Genetics (formerly Invitae), Labcorp
Classification: Uncertain significance. Last evaluated: 2025-03-29. Review status: criteria provided, single submitter. Criteria: Invitae Variant Classification Sherloc (09022015). Collection method: clinical testing. Allele origin: germline.
Comment: This sequence change replaces glycine, which is neutral and non-polar, with aspartic acid, which is acidic and polar, at codon 361 of the TRAPPC9 protein (p.Gly361Asp). This variant is present in population databases (rs749470559, gnomAD 0.01%). This variant has not been reported in the literature in individuals affected with TRAPPC9-related conditions. ClinVar contains an entry for this variant (Variation ID: 1972239). An algorithm developed to predict the effect of missense changes on protein structure and function (PolyPhen-2) suggests that this variant is likely to be disruptive. In summary, the available evidence is currently insufficient to determine the role of this variant in disease. Therefore, it has been classified as a Variant of Uncertain Significance.